The following is an entry in ClinVar:

NM_001903.5(CTNNA1):c.1547-11T>A

Gene: CTNNA1 (catenin alpha 1; plus strand). Cytogenetic location: 5q31.2.
Variant type: single nucleotide variant.
Coding change: c.1547-11T>A on transcript NM_001903.5 (MANE Select); 11 bases into the intron before coding-DNA position 1547, T replaced by A.
Molecular consequence: intron variant.
Genome position (GRCh38, 1-based): chr5:138,924,499, T>A. VCF-style: chr5-138924499-T-A. GRCh37 (hg19) VCF-style: chr5-138260188-T-A.
Other names: c.1547-11T>A (NM_001323982.2, NM_001323984.2, NM_001290307.3 and 2 more transcripts); c.1454-11T>A (NM_001323986.2); c.1178-11T>A (NM_001290310.3); c.1238-11T>A (NM_001290309.3); c.437-11T>A (NM_001323996.1, NM_001323993.1, NM_001324005.1 and 17 more transcripts); c.98-11T>A (NM_001324007.1, NM_001324009.1, NM_001324006.1 and 2 more transcripts); c.194-11T>A (NM_001324013.1, NM_001324012.1); c.344-11T>A (NM_001324011.1).
Identifiers: ClinVar variation 1659509 (VCV001659509.9), dbSNP rs1763590511, ClinGen allele CA1586083727.
Genomic context (GRCh38, chr5:138,924,499, plus strand): 5'-ATGCCAGCTTACAGTTGCCACCTTTTCATAGAAAGCCTCCTTCCTCATTCAACTTTTTGC[T>A]TGTTCTCCAGAGAATCACATTTTGGAAGATGTGAACAAATGTGTCATTGCTCTCCAAGAG-3'

ClinVar aggregate classification (germline): Conflicting classifications of pathogenicity. Review status: criteria provided, conflicting classifications (1 of 4 stars). 2 submissions from 2 submitters: Uncertain significance (1); Likely benign (1). Last evaluated 2025-09-03.

Allele frequency attached by ClinVar (database versions not stated): gnomAD exomes below 0.00001; TOPMed below 0.00001.
gnomAD v4.1: 3 of 1,613,952 alleles (0.00019%); highest among the groups gnomAD compares: African/African-American, 0.0027%; no homozygotes.

Submissions (2):

Labcorp Genetics (formerly Invitae), Labcorp
Classification: Likely benign. Last evaluated: 2025-09-03. Review status: criteria provided, single submitter. Criteria: Invitae Variant Classification Sherloc (09022015). Collection method: clinical testing. Allele origin: germline.

GeneDx
Classification: Uncertain significance. Last evaluated: 2023-01-24. Review status: criteria provided, single submitter. Criteria: GeneDx Variant Classification Process June 2021. Collection method: clinical testing. Allele origin: germline. Affected: yes.
Comment: Not observed at significant frequency in large population cohorts (gnomAD); In silico analysis supports that this variant does not alter splicing; Has not been previously published as pathogenic or benign to our knowledge